The following is an entry in ClinVar:

ClinVar aggregate classification (germline): Pathogenic (1 of 4 stars; one submission).

Conditions:
Fanconi anemia (FA). Also called: Fanconi's anemia. Identifiers: Orphanet 84, MedGen C0015625, MeSH D005199, MONDO:0019391.

Submission:

Labcorp Genetics (formerly Invitae), Labcorp
Classification: Pathogenic for Fanconi anemia. Last evaluated: 2023-02-25. Review status: criteria provided, single submitter. Criteria: Invitae Variant Classification Sherloc (09022015). Collection method: clinical testing. Allele origin: germline.
Comment: This variant has not been reported in the literature in individuals affected with FANCM-related conditions. This variant is not present in population databases (gnomAD no frequency). This sequence change creates a premature translational stop signal (p.Lys1428Glnfs*6) in the FANCM gene. It is expected to result in an absent or disrupted protein product. Loss-of-function variants in FANCM are known to be pathogenic (PMID: 29895858, 30075111). For these reasons, this variant has been classified as Pathogenic. ClinVar contains an entry for this variant (Variation ID: 2030232).

Literature cited by the submitters: PubMed 29895858; PubMed 30075111.

NM_020937.4(FANCM):c.4281_4287del (p.Lys1428fs)

Gene: FANCM (FA complementation group M; plus strand). Cytogenetic location: 14q21.2.
Variant type: Deletion.
Coding change: c.4281_4287del on transcript NM_020937.4 (MANE Select); coding-DNA positions 4281 to 4287, 7 bases deleted (TAAAAGA; older notation c.4281_4287delTAAAAGA).
Protein change: p.Lys1428fs; shifts the reading frame from lysine 1428.
Molecular consequence: frameshift variant.
Genome position (GRCh38, 1-based): chr14:45,181,488-45,181,494, TAAAAGA deleted. VCF-style (leftmost placement, unchanged base first): chr14-45181487-TTAAAAGA-T. GRCh37 (hg19) VCF-style: chr14-45650690-TTAAAAGA-T.
Other names: c.4203_4209del, p.Lys1402fs (NM_001308133.2); short protein forms K1428fs, K1402fs.
Identifiers: ClinVar variation 2030232 (VCV002030232.4), dbSNP rs2503213372, ClinGen allele CA2580088111.
Genomic context (GRCh38, chr14:45,181,487, plus strand): 5'-TAGATGGACAATTATTAACAAGTAACGAAAGTGAAGATGACGAGATTTTCCGAAGAAAAG[TTAAAAGA>T]GCAAAAGGAAATGTTTTAAACTCTCCTGAGGTGAGTCATTCAGTAATCACAATAGTATAA-3'